The following is an entry in ClinVar:

NM_001242957.3(MAK):c.787G>A (p.Glu263Lys)

Gene: MAK (male germ cell associated kinase; minus strand). Cytogenetic location: 6p24.2.
Variant type: single nucleotide variant.
Coding change: c.787G>A on transcript NM_001242957.3 (MANE Select); coding-DNA position 787, G replaced by A.
Protein change: p.Glu263Lys; replaces glutamic acid 263 with lysine.
Molecular consequence: missense variant. On other transcripts: non-coding transcript variant (2).
Genome position (GRCh38, 1-based): chr6:10,801,936, C>T on the plus strand (G>A on the coding strand, the complement: MAK is on the minus strand). VCF-style: chr6-10801936-C-T. GRCh37 (hg19) VCF-style: chr6-10802169-C-T.
Other names: c.787G>A, p.Glu263Lys (NM_001242385.2, NM_005906.6); c.685G>A, p.Glu229Lys (NM_001377262.1); short protein forms E263K, E229K.
Identifiers: ClinVar variation 354803 (VCV000354803.13), dbSNP rs199689074, ClinGen allele CA3633631.

ClinVar aggregate classification (germline): Uncertain significance. Review status: criteria provided, multiple submitters, no conflicts (2 of 4 stars). 5 submissions from 5 submitters: Uncertain significance (4). 1 of the submissions does not count toward it. Last evaluated 2024-10-15.

Conditions:
Retinitis pigmentosa 62 (RP62). Identifiers: Orphanet 791, MedGen C3280042, MONDO:0013611, OMIM 614181.
Retinal dystrophy. Also called: Inherited retinal dystrophy. Identifiers: Orphanet 71862, MedGen C0854723, MeSH D058499, MONDO:0019118, HP:0000556.

Allele frequency attached by ClinVar (database versions not stated): TOPMed 0.00014; gnomAD 0.00017 and 0.00020; gnomAD exomes 0.00017 and 0.00027; ExAC 0.00021; ESP Exome Variant Server 0.00038.

Submissions (5):

Blueprint Genetics
Classification: Uncertain significance. Last evaluated: 2024-10-15. Review status: criteria provided, single submitter. Criteria: ACMG Guidelines, 2015. Collection method: clinical testing. Allele origin: germline.

Dept Of Ophthalmology, Nagoya University
Classification: Uncertain significance for Retinal dystrophy. Last evaluated: 2023-10-01. Review status: criteria provided, single submitter. Criteria: Submitter's publication. Collection method: research. Allele origin: germline. Affected: yes.

Labcorp Genetics (formerly Invitae), Labcorp
Classification: Uncertain significance. Last evaluated: 2022-08-22. Review status: criteria provided, single submitter. Criteria: Invitae Variant Classification Sherloc (09022015). Collection method: clinical testing. Allele origin: germline.
Comment: This sequence change replaces glutamic acid, which is acidic and polar, with lysine, which is basic and polar, at codon 263 of the MAK protein (p.Glu263Lys). This variant is present in population databases (rs199689074, gnomAD 0.04%). This variant has not been reported in the literature in individuals affected with MAK-related conditions. ClinVar contains an entry for this variant (Variation ID: 354803). Advanced modeling of protein sequence and biophysical properties (such as structural, functional, and spatial information, amino acid conservation, physicochemical variation, residue mobility, and thermodynamic stability) performed at Invitae indicates that this missense variant is not expected to disrupt MAK protein function. In summary, the available evidence is currently insufficient to determine the role of this variant in disease. Therefore, it has been classified as a Variant of Uncertain Significance.

Department of Pathology and Laboratory Medicine, Sinai Health System
Classification: Uncertain significance for Retinitis pigmentosa 62. Last evaluated: 2022-02-07. Review status: criteria provided, single submitter. Criteria: ACMG Guidelines, 2015. Collection method: research. Allele origin: germline.

Institute of Human Genetics, Univ. Regensburg, Univ. Regensburg
Classification: Uncertain significance for Retinal dystrophy. Last evaluated: 2022-01-01. Review status: no assertion criteria provided. Criteria: ACMG Guidelines, 2015. Collection method: clinical testing. Allele origin: germline. Affected: yes. Not counted in ClinVar's aggregate classification.